The following is an entry in ClinVar:

NM_004006.3(DMD):c.5839C>T (p.Pro1947Ser)

Gene: DMD (dystrophin; minus strand). Cytogenetic location: Xp21.1.
Variant type: single nucleotide variant.
Coding change: c.5839C>T on transcript NM_004006.3 (MANE Select); coding-DNA position 5839, C replaced by T.
Protein change: p.Pro1947Ser; replaces proline 1947 with serine.
Molecular consequence: missense variant.
Genome position (GRCh38, 1-based): chrX:32,342,183, G>A on the plus strand (C>T on the coding strand, the complement: DMD is on the minus strand). VCF-style: chrX-32342183-G-A. GRCh37 (hg19) VCF-style: chrX-32360300-G-A.
Other names: c.5815C>T, p.Pro1939Ser (NM_000109.4); c.5827C>T, p.Pro1943Ser (NM_004009.3); c.5470C>T, p.Pro1824Ser (NM_004010.3); c.1816C>T, p.Pro606Ser (NM_004011.4); c.1807C>T, p.Pro603Ser (NM_004012.4); short protein forms P1824S, P1939S, P1943S, P1947S, P603S, P606S.
Identifiers: ClinVar variation 4869848 (VCV004869848.1).
Genomic context (GRCh38, chrX:32,342,183, plus strand): 5'-GAAACTGAGCAAATTTGCTCTCAATTTCCCGCCAGCGCTTGCTGAGCTGGATCTGAGTTG[G>A]CTCCACTGCCATTGCGGCCCCATCCTCAGACAAGCCCTCAGCTTGCCTACGCACTGCATT-3'
Protein context (NP_003997.2, residues 1937-1957): SEDGAAMAVE[Pro1947Ser]TQIQLSKRWR

ClinVar aggregate classification (germline): Uncertain significance (1 of 4 stars; one submission).

Conditions:
Cardiovascular phenotype. Identifiers: MedGen CN230736.

Submission:

Ambry Genetics
Classification: Uncertain significance for Cardiovascular phenotype. Last evaluated: 2026-06-09. Review status: criteria provided, single submitter. Criteria: Ambry Variant Classification Scheme 2023. Collection method: clinical testing. Allele origin: germline.
Comment: The p.P1947S variant (also known as c.5839C>T), located in coding exon 41 of the DMD gene, results from a C to T substitution at nucleotide position 5839. The proline at codon 1947 is replaced by serine, an amino acid with similar properties. This amino acid position is conserved. In addition, this alteration is predicted to be tolerated by in silico analysis. Based on the available evidence, the clinical significance of this variant remains unclear.